The following is an entry in ClinVar:

NM_021267.5(CERS1):c.263G>A (p.Arg88Gln)

Genes: CERS1 (ceramide synthase 1; minus strand), GDF1 (growth differentiation factor 1; minus strand). Cytogenetic location: 19p13.11.
Variant type: single nucleotide variant.
Coding change: c.263G>A on transcript NM_021267.5 (MANE Select); coding-DNA position 263, G replaced by A.
Protein change: p.Arg88Gln; replaces arginine 88 with glutamine.
Molecular consequence: missense variant. On other transcripts: 5 prime UTR variant (7).
Genome position (GRCh38, 1-based): chr19:18,893,562, C>T on the plus strand (G>A on the coding strand, the complement: CERS1 is on the minus strand). VCF-style: chr19-18893562-C-T. GRCh37 (hg19) VCF-style: chr19-19004371-C-T.
Other names: c.-32G>A (NM_001290265.2, NM_001387442.1, NM_001387443.1 and 2 more transcripts); c.263G>A, p.Arg88Gln (NM_001387439.1, NM_001387440.1, NM_001387441.1 and 1 more transcripts); c.-640G>A (NM_001387438.1); c.-1060G>A (NM_001492.6); short protein forms R88Q.
Identifiers: ClinVar variation 1514738 (VCV001514738.5), dbSNP rs370175943, ClinGen allele CA9318321.

ClinVar aggregate classification (germline): Uncertain significance (1 of 4 stars; one submission).

Conditions:
Progressive myoclonic epilepsy type 8. Identifiers: Orphanet 424027, MedGen C5190825, MONDO:0014545, OMIM 616230.

Allele frequency attached by ClinVar (database versions not stated): ExAC 0.00001; gnomAD 0.00001; gnomAD exomes 0.00001 and 0.00003; TOPMed 0.00005; ESP Exome Variant Server 0.00008.

Submission:

Labcorp Genetics (formerly Invitae), Labcorp
Classification: Uncertain significance for Progressive myoclonic epilepsy type 8. Last evaluated: 2022-09-01. Review status: criteria provided, single submitter. Criteria: Invitae Variant Classification Sherloc (09022015). Collection method: clinical testing. Allele origin: germline.
Comment: This sequence change replaces arginine, which is basic and polar, with glutamine, which is neutral and polar, at codon 88 of the CERS1 protein (p.Arg88Gln). This variant is present in population databases (rs370175943, gnomAD 0.01%). This variant has not been reported in the literature in individuals affected with CERS1-related conditions. ClinVar contains an entry for this variant (Variation ID: 1514738). Algorithms developed to predict the effect of missense changes on protein structure and function output the following: SIFT: "Tolerated"; PolyPhen-2: "Benign"; Align-GVGD: "Class C0". The glutamine amino acid residue is found in multiple mammalian species, which suggests that this missense change does not adversely affect protein function. In summary, the available evidence is currently insufficient to determine the role of this variant in disease. Therefore, it has been classified as a Variant of Uncertain Significance.